The following is an entry in ClinVar:

NM_024675.4(PALB2):c.2587-3C>T

Gene: PALB2 (partner and localizer of BRCA2; minus strand). Cytogenetic location: 16p12.2.
Variant type: single nucleotide variant.
Coding change: c.2587-3C>T on transcript NM_024675.4 (MANE Select); 3 bases into the intron before coding-DNA position 2587, C replaced by T.
Molecular consequence: intron variant.
Genome position (GRCh38, 1-based): chr16:23,626,400, G>A on the plus strand (C>T on the coding strand, the complement: PALB2 is on the minus strand). VCF-style: chr16-23626400-G-A. GRCh37 (hg19) VCF-style: chr16-23637721-G-A.
Identifiers: ClinVar variation 1793436 (VCV001793436.2), dbSNP rs1264528297, ClinGen allele CA2580091288.
Genomic context (GRCh38, chr16:23,626,400, plus strand): 5'-AACCGGCTCTTTCCCAAAACATGGCACTCACATCTACGGAACAGGAACCTGAAGGATTCT[G>A]ACACAATGGCAACAGTTCTGTTAAAGTGGCACTCGAGTGCTGTTTTATGCAAAGCATAAG-3'

ClinVar aggregate classification (germline): Uncertain significance (1 of 4 stars; one submission).

Conditions:
Hereditary cancer-predisposing syndrome. Also called: Tumor predisposition; Hereditary Cancer Syndrome; Neoplastic Syndromes, Hereditary; Hereditary neoplastic syndrome. Identifiers: Orphanet 140162, MedGen C0027672, MeSH D009386, MONDO:0015356.

Submission:

Ambry Genetics
Classification: Uncertain significance for Hereditary cancer-predisposing syndrome. Last evaluated: 2022-05-02. Review status: criteria provided, single submitter. Criteria: Ambry Variant Classification Scheme 2023. Collection method: clinical testing. Allele origin: germline.
Comment: The c.2587-3C>T intronic variant results from a C to T substitution 3 nucleotides upstream from coding exon 7 in the PALB2 gene. This nucleotide position is well conserved in available vertebrate species. In silico splice site analysis predicts that this alteration will not have any significant effect on splicing. Since supporting evidence is limited at this time, the clinical significance of this alteration remains unclear.